The following is an entry in ClinVar:

NM_024665.7(TBL1XR1):c.1159T>A (p.Leu387Met)

Gene: TBL1XR1 (TBL1X/Y related 1; minus strand). Cytogenetic location: 3q26.32.
Variant type: single nucleotide variant.
Coding change: c.1159T>A on transcript NM_024665.7 (MANE Select); coding-DNA position 1159, T replaced by A.
Protein change: p.Leu387Met; replaces leucine 387 with methionine.
Molecular consequence: missense variant.
Genome position (GRCh38, 1-based): chr3:177,034,289, A>T on the plus strand (T>A on the coding strand, the complement: TBL1XR1 is on the minus strand). VCF-style: chr3-177034289-A-T. GRCh37 (hg19) VCF-style: chr3-176752077-A-T.
Other names: c.1159T>A, p.Leu387Met (NM_001321193.3, NM_001321194.3, NM_001374327.1 and 2 more transcripts); c.898T>A, p.Leu300Met (NM_001321195.3, NM_001374330.1); short protein forms L387M, L300M.
Identifiers: ClinVar variation 3635799 (VCV003635799.2).

ClinVar aggregate classification (germline): Uncertain significance (1 of 4 stars; one submission).

Conditions:
Pierpont syndrome (PRPTS). Identifiers: Orphanet 487825, MedGen C1865644, MONDO:0011213, OMIM 602342.

gnomAD v4.1: 1 of 1,595,728 alleles (0.000063%); highest among the groups gnomAD compares: Non-Finnish European, 0.000085%; no homozygotes.

Submission:

Labcorp Genetics (formerly Invitae), Labcorp
Classification: Uncertain significance for Pierpont syndrome. Last evaluated: 2024-05-08. Review status: criteria provided, single submitter. Criteria: Invitae Variant Classification Sherloc (09022015). Collection method: clinical testing. Allele origin: germline.
Comment: This sequence change replaces leucine, which is neutral and non-polar, with methionine, which is neutral and non-polar, at codon 387 of the TBL1XR1 protein (p.Leu387Met). This variant is not present in population databases (gnomAD no frequency). This variant has not been reported in the literature in individuals affected with TBL1XR1-related conditions. Advanced modeling of protein sequence and biophysical properties (such as structural, functional, and spatial information, amino acid conservation, physicochemical variation, residue mobility, and thermodynamic stability) performed at Invitae indicates that this missense variant is expected to disrupt TBL1XR1 protein function with a positive predictive value of 95%. In summary, the available evidence is currently insufficient to determine the role of this variant in disease. Therefore, it has been classified as a Variant of Uncertain Significance.